The following is an entry in ClinVar:

NM_001199138.2(NLRC4):c.1579C>A (p.Pro527Thr)

Gene: NLRC4 (NLR family CARD domain containing 4; minus strand). Cytogenetic location: 2p22.3.
Variant type: single nucleotide variant.
Coding change: c.1579C>A on transcript NM_001199138.2 (MANE Select); coding-DNA position 1579, C replaced by A.
Protein change: p.Pro527Thr; replaces proline 527 with threonine.
Molecular consequence: missense variant. On other transcripts: intron variant (1).
Genome position (GRCh38, 1-based): chr2:32,250,285, G>T on the plus strand (C>A on the coding strand, the complement: NLRC4 is on the minus strand). VCF-style: chr2-32250285-G-T. GRCh37 (hg19) VCF-style: chr2-32475354-G-T.
Other names: c.1579C>A, p.Pro527Thr (NM_001199139.2, NM_021209.5); c.262+2134C>A (NM_001302504.1); short protein forms P527T.
Identifiers: ClinVar variation 1419400 (VCV001419400.7), dbSNP rs369233701, ClinGen allele CA1601960.

ClinVar aggregate classification (germline): Uncertain significance. Review status: criteria provided, multiple submitters, no conflicts (2 of 4 stars). 2 submissions from 2 submitters: Uncertain significance (2). Last evaluated 2025-03-03.

Conditions:
Familial cold autoinflammatory syndrome 4 (FCAS4). Identifiers: Orphanet 47045, Orphanet 576349, MedGen C4015276, MONDO:0014498, OMIM 616115.
Periodic fever-infantile enterocolitis-autoinflammatory syndrome. Also called: Autoinflammation with infantile enterocolitis. Identifiers: Orphanet 436166, MedGen C4015067, MONDO:0014472, OMIM 616050.
Inborn genetic diseases. Identifiers: MedGen C0950123, MeSH D030342.

Allele frequency attached by ClinVar (database versions not stated): TOPMed below 0.00001; ExAC 0.00001; gnomAD exomes 0.00001.
gnomAD v4.1: 9 of 1,614,204 alleles (0.00056%); highest among the groups gnomAD compares: East Asian, 0.011%; no homozygotes.

Submissions (2):

Labcorp Genetics (formerly Invitae), Labcorp
Classification: Uncertain significance for Periodic fever-infantile enterocolitis-autoinflammatory syndrome; Familial cold autoinflammatory syndrome 4. Last evaluated: 2025-03-03. Review status: criteria provided, single submitter. Criteria: Invitae Variant Classification Sherloc (09022015). Collection method: clinical testing. Allele origin: germline.
Comment: This sequence change replaces proline, which is neutral and non-polar, with threonine, which is neutral and polar, at codon 527 of the NLRC4 protein (p.Pro527Thr). This variant is present in population databases (rs369233701, gnomAD 0.01%). This variant has not been reported in the literature in individuals affected with NLRC4-related conditions. ClinVar contains an entry for this variant (Variation ID: 1419400). Invitae Evidence Modeling of protein sequence and biophysical properties (such as structural, functional, and spatial information, amino acid conservation, physicochemical variation, residue mobility, and thermodynamic stability) indicates that this missense variant is not expected to disrupt NLRC4 protein function with a negative predictive value of 80%. In summary, the available evidence is currently insufficient to determine the role of this variant in disease. Therefore, it has been classified as a Variant of Uncertain Significance.

Ambry Genetics
Classification: Uncertain significance for Inborn genetic diseases. Last evaluated: 2024-01-30. Review status: criteria provided, single submitter. Criteria: Ambry Variant Classification Scheme 2023. Collection method: clinical testing. Allele origin: germline.